The following is an entry in ClinVar:

ClinVar aggregate classification (germline): Conflicting classifications of pathogenicity. Review status: criteria provided, conflicting classifications (1 of 4 stars). 5 submissions from 5 submitters: Uncertain significance (3); Likely benign (2). Last evaluated 2025-06-30.

Conditions:
Cardiovascular phenotype. Identifiers: MedGen CN230736.
Arrhythmogenic cardiomyopathy with wooly hair and keratoderma. Also called: Dilated cardiomyopathy with woolly hair and keratoderma; Arrhythmogenic cardiomyopathy with woolly hair and keratoderma; PALMOPLANTAR KERATODERMA WITH LEFT VENTRICULAR CARDIOMYOPATHY AND WOOLLY HAIR; Carvajal syndrome. Identifiers: Orphanet 65282, MedGen C1854063, MONDO:0011581, OMIM 605676.
Arrhythmogenic right ventricular dysplasia 8 (ARVD8). Also called: Arrhythmogenic Right Ventricular Dysplasia/Cardiomyopathy 8; ARRHYTHMOGENIC RIGHT VENTRICULAR DYSPLASIA, FAMILIAL, 8; ARRHYTHMOGENIC RIGHT VENTRICULAR CARDIOMYOPATHY 8. Identifiers: MedGen C1843896, MONDO:0011831, OMIM 607450.
Cardiomyopathy (CMYO). Also called: Cardiomyopathies. Identifiers: Orphanet 167848, MedGen C0878544, MONDO:0004994, HP:0001638. Inheritance: Various modes of inheritance.

Allele frequency attached by ClinVar (database versions not stated): gnomAD 0.00001; gnomAD exomes 0.00003; TOPMed 0.00003; ExAC 0.00004; 1000 Genomes Project 0.00020; 1000 Genomes Project 30x 0.00031.
gnomAD v4.1: 21 of 1,611,140 alleles (0.0013%); highest among the groups gnomAD compares: Admixed American, 0.02%; no homozygotes.

Submissions (5):

Color Diagnostics, LLC DBA Color Health
Classification: Likely benign for Cardiomyopathy. Last evaluated: 2025-06-30. Review status: criteria provided, single submitter. Criteria: ACMG Guidelines, 2015. Collection method: clinical testing. Allele origin: germline.

Ambry Genetics
Classification: Uncertain significance for Cardiovascular phenotype. Last evaluated: 2024-12-20. Review status: criteria provided, single submitter. Criteria: Ambry Variant Classification Scheme 2023. Collection method: clinical testing. Allele origin: germline.
Comment: The p.A955T variant (also known as c.2863G>A), located in coding exon 20 of the DSP gene, results from a G to A substitution at nucleotide position 2863. The alanine at codon 955 is replaced by threonine, an amino acid with similar properties. This variant has been reported in a cohort of subjects with features of arrhythmogenic right ventricular cardiomyopathy (ARVC) (La Gerche A et al. Heart, 2010 Aug;96:1268-74). This amino acid position is not well conserved in available vertebrate species. In addition, this alteration is predicted to be tolerated by in silico analysis. Based on the available evidence, the clinical significance of this variant remains unclear.

GeneDx
Classification: Uncertain significance. Last evaluated: 2024-11-19. Review status: criteria provided, single submitter. Criteria: GeneDx Variant Classification Process June 2021. Collection method: clinical testing. Allele origin: germline. Affected: yes.
Comment: In silico analysis indicates that this missense variant does not alter protein structure/function; Has not been previously published as pathogenic or benign to our knowledge

All of Us Research Program, National Institutes of Health
Classification: Uncertain significance for Arrhythmogenic cardiomyopathy with wooly hair and keratoderma. Last evaluated: 2024-08-30. Review status: criteria provided, single submitter. Criteria: ACMG Guidelines, 2015. Collection method: clinical testing. Allele origin: germline. Inheritance: Autosomal dominant inheritance. Observed: 1 variant allele, 1 heterozygote.
Comment: This study involves interpretation of variants in research participants for the purpose of population health screening. Participant phenotype was not available at the time of variant classification. Additional details can be found in publication PMID: 35346344, PMCID: PMC8962531

Labcorp Genetics (formerly Invitae), Labcorp
Classification: Likely benign for Arrhythmogenic cardiomyopathy with wooly hair and keratoderma; Arrhythmogenic right ventricular dysplasia 8. Last evaluated: 2024-02-25. Review status: criteria provided, single submitter. Criteria: Invitae Variant Classification Sherloc (09022015). Collection method: clinical testing. Allele origin: germline.

Literature cited by the submitters: PubMed 20525856 (cited by Ambry Genetics).

NM_004415.4(DSP):c.2863G>A (p.Ala955Thr)

Gene: DSP (desmoplakin; plus strand). Cytogenetic location: 6p24.3.
Variant type: single nucleotide variant.
Coding change: c.2863G>A on transcript NM_004415.4 (MANE Select); coding-DNA position 2863, G replaced by A.
Protein change: p.Ala955Thr; replaces alanine 955 with threonine.
Molecular consequence: missense variant.
Genome position (GRCh38, 1-based): chr6:7,577,028, G>A. VCF-style: chr6-7577028-G-A. GRCh37 (hg19) VCF-style: chr6-7577261-G-A.
Other names: c.2863G>A, p.Ala955Thr (NM_001008844.3, NM_001319034.2); short protein forms A955T.
Identifiers: ClinVar variation 1052893 (VCV001052893.17), dbSNP rs190421916, ClinGen allele CA035822.